The following is an entry in ClinVar:

ClinVar aggregate classification (germline): Uncertain significance (1 of 4 stars; one submission).

Submission:

GeneDx
Classification: Uncertain significance. Last evaluated: 2024-06-17. Review status: criteria provided, single submitter. Criteria: GeneDx Variant Classification Process June 2021. Collection method: clinical testing. Allele origin: germline. Affected: yes.
Comment: Not observed at significant frequency in large population cohorts (gnomAD); In silico analysis supports that this missense variant has a deleterious effect on protein structure/function; Has not been previously published as pathogenic or benign to our knowledge

NM_003931.3(WASF1):c.986C>T (p.Pro329Leu)

Gene: WASF1 (WASP family member 1; minus strand). Cytogenetic location: 6q21.
Variant type: single nucleotide variant.
Coding change: c.986C>T on transcript NM_003931.3 (MANE Select); coding-DNA position 986, C replaced by T.
Protein change: p.Pro329Leu; replaces proline 329 with leucine.
Molecular consequence: missense variant.
Genome position (GRCh38, 1-based): chr6:110,102,124, G>A on the plus strand (C>T on the coding strand, the complement: WASF1 is on the minus strand). VCF-style: chr6-110102124-G-A. GRCh37 (hg19) VCF-style: chr6-110423327-G-A.
Other names: c.986C>T, p.Pro329Leu (NM_001024934.2, NM_001024935.2, NM_001024936.2); short protein forms P329L.
Identifiers: ClinVar variation 3391730 (VCV003391730.1).